The following is an entry in ClinVar:

NM_002185.5(IL7R):c.81T>A (p.Asn27Lys)

Gene: IL7R (interleukin 7 receptor; plus strand). Cytogenetic location: 5p13.2.
Variant type: single nucleotide variant.
Coding change: c.81T>A on transcript NM_002185.5 (MANE Select); coding-DNA position 81, T replaced by A.
Protein change: p.Asn27Lys; replaces asparagine 27 with lysine.
Molecular consequence: missense variant. On other transcripts: non-coding transcript variant (1).
Genome position (GRCh38, 1-based): chr5:35,857,058, T>A. VCF-style: chr5-35857058-T-A. GRCh37 (hg19) VCF-style: chr5-35857160-T-A.
Other names: short protein forms N27K.
Identifiers: ClinVar variation 533060 (VCV000533060.6), dbSNP rs753451294, ClinGen allele CA3231824.
Genomic context (GRCh38, chr5:35,857,058, plus strand): 5'-TTTTGGCATGGTTTTTTCTTTACTTCAAGTCGTTTCTGGAGAAAGTGGCTATGCTCAAAA[T>A]GGTGAGTCATTTCTAAGTTTTCTTATGGATTTTGGATTATCTGTAGCATGGTTTCAGGTT-3'
Protein context (NP_002176.2, residues 17-37): VVSGESGYAQ[Asn27Lys]GDLEDAELDD

ClinVar aggregate classification (germline): Uncertain significance (1 of 4 stars; one submission).

Conditions:
Immunodeficiency 104. Also called: Severe combined immunodeficiency, autosomal recessive, T cell-negative, B cell-positive, NK cell-positive; SCID, AUTOSOMAL RECESSIVE, T CELL-NEGATIVE, B CELL-POSITIVE, NK CELL-POSITIVE; Severe Combined Immune Deficiency, Autosomal Recessive, TCell -Negative, B Cell-Positive, NK Cell-Positive, IL7R-Related; IMMUNODEFICIENCY 104, SEVERE COMBINED. Identifiers: MedGen C5676890, MONDO:0012163, OMIM 608971.

Allele frequency attached by ClinVar (database versions not stated): TOPMed 0.00001; ExAC 0.00002; gnomAD exomes 0.00003.
gnomAD v4.1: 6 of 1,583,168 alleles (0.00038%); highest among the groups gnomAD compares: Admixed American, 0.01%; no homozygotes.

Submission:

Labcorp Genetics (formerly Invitae), Labcorp
Classification: Uncertain significance for Immunodeficiency 104. Last evaluated: 2021-08-28. Review status: criteria provided, single submitter. Criteria: Invitae Variant Classification Sherloc (09022015). Collection method: clinical testing. Allele origin: germline.
Comment: This sequence change replaces asparagine with lysine at codon 27 of the IL7R protein (p.Asn27Lys). The asparagine residue is moderately conserved and there is a moderate physicochemical difference between asparagine and lysine. This variant is present in population databases (rs753451294, ExAC 0.03%). This variant has not been reported in the literature in individuals affected with IL7R-related conditions. Algorithms developed to predict the effect of missense changes on protein structure and function are either unavailable or do not agree on the potential impact of this missense change (SIFT: "Deleterious"; PolyPhen-2: "Possibly Damaging"; Align-GVGD: "Class C0"). Algorithms developed to predict the effect of sequence changes on RNA splicing suggest that this variant may create or strengthen a splice site. In summary, the available evidence is currently insufficient to determine the role of this variant in disease. Therefore, it has been classified as a Variant of Uncertain Significance.